The following is an entry in ClinVar:

ClinVar aggregate classification (germline): Conflicting classifications of pathogenicity. Review status: criteria provided, conflicting classifications (1 of 4 stars). 2 submissions from 2 submitters: Uncertain significance (1); Likely benign (1). Last evaluated 2025-11-18.

Conditions:
Hereditary cancer-predisposing syndrome. Also called: Tumor predisposition; Hereditary neoplastic syndrome; Neoplastic Syndromes, Hereditary; Hereditary Cancer Syndrome. Identifiers: Orphanet 140162, MedGen C0027672, MeSH D009386, MONDO:0015356.
Multiple endocrine neoplasia type 4. Also called: MULTIPLE ENDOCRINE NEOPLASIA, TYPE IV. Identifiers: Orphanet 276152, MedGen C1970712, MONDO:0012552, OMIM 610755.

Allele frequency attached by ClinVar (database versions not stated): TOPMed below 0.00001; gnomAD exomes 0.00001.

Submissions (2):

Labcorp Genetics (formerly Invitae), Labcorp
Classification: Uncertain significance for Multiple endocrine neoplasia type 4. Last evaluated: 2025-11-18. Review status: criteria provided, single submitter. Criteria: Invitae Variant Classification Sherloc (09022015). Collection method: clinical testing. Allele origin: germline.
Comment: This sequence change replaces glycine, which is neutral and non-polar, with alanine, which is neutral and non-polar, at codon 143 of the CDKN1B protein (p.Gly143Ala). This variant is not present in population databases (gnomAD no frequency). This variant has not been reported in the literature in individuals affected with CDKN1B-related conditions. ClinVar contains an entry for this variant (Variation ID: 935381). An algorithm developed to predict the effect of missense changes on protein structure and function outputs the following: PolyPhen-2: "Benign". The alanine amino acid residue is found in multiple mammalian species, which suggests that this missense change does not adversely affect protein function. In summary, the available evidence is currently insufficient to determine the role of this variant in disease. Therefore, it has been classified as a Variant of Uncertain Significance.

Ambry Genetics
Classification: Likely benign for Hereditary cancer-predisposing syndrome. Last evaluated: 2024-02-16. Review status: criteria provided, single submitter. Criteria: Ambry Variant Classification Scheme 2023. Collection method: clinical testing. Allele origin: germline.

NM_004064.5(CDKN1B):c.428G>C (p.Gly143Ala)

Gene: CDKN1B (cyclin dependent kinase inhibitor 1B; plus strand). Cytogenetic location: 12p13.1.
Variant type: single nucleotide variant.
Coding change: c.428G>C on transcript NM_004064.5 (MANE Select); coding-DNA position 428, G replaced by C.
Protein change: p.Gly143Ala; replaces glycine 143 with alanine.
Molecular consequence: missense variant.
Genome position (GRCh38, 1-based): chr12:12,718,267, G>C. VCF-style: chr12-12718267-G-C. GRCh37 (hg19) VCF-style: chr12-12871201-G-C.
Other names: short protein forms G143A.
Identifiers: ClinVar variation 935381 (VCV000935381.12), dbSNP rs1413091136, ClinGen allele CA383970737.